The following is an entry in ClinVar:

NM_002633.3(PGM1):c.1058A>G (p.Tyr353Cys)

Gene: PGM1 (phosphoglucomutase 1; plus strand). Cytogenetic location: 1p31.3.
Variant type: single nucleotide variant.
Coding change: c.1058A>G on transcript NM_002633.3 (MANE Select); coding-DNA position 1058, A replaced by G.
Protein change: p.Tyr353Cys; replaces tyrosine 353 with cysteine.
Molecular consequence: missense variant.
Genome position (GRCh38, 1-based): chr1:63,638,714, A>G. VCF-style: chr1-63638714-A-G. GRCh37 (hg19) VCF-style: chr1-64104385-A-G.
Other names: c.1112A>G, p.Tyr371Cys (NM_001172818.1); c.467A>G, p.Tyr156Cys (NM_001172819.2); short protein forms Y353C, Y156C, Y371C.
Identifiers: ClinVar variation 2182918 (VCV002182918.3), dbSNP rs141538833, ClinGen allele CA889711.
Genomic context (GRCh38, chr1:63,638,714, plus strand): 5'-GTGATGTAACTTTGATTTCATGCCTTTGAAGGGTGGCTAGTGCTACAAAGATTGCTTTGT[A>G]TGAGACCCCAACTGGCTGGAAGTTTTTTGGGAATTTGATGGACGCGAGCAAACTGTCCCT-3'
Protein context (NP_002624.2, residues 343-363): RVASATKIAL[Tyr353Cys]ETPTGWKFFG

ClinVar aggregate classification (germline): Uncertain significance (1 of 4 stars; one submission).

Conditions:
PGM1-congenital disorder of glycosylation. Also called: GSD XIV; Congenital disorder of glycosylation type 1t; PHOSPHOGLUCOMUTASE 1 DEFICIENCY; PGM1 DEFICIENCY; GLYCOGEN STORAGE DISEASE XIV; CDG It. Identifiers: Orphanet 319646, MedGen C2752015, MONDO:0013968, OMIM 614921.

Allele frequency attached by ClinVar (database versions not stated): ExAC 0.00002; gnomAD 0.00006; TOPMed 0.00007; ESP Exome Variant Server 0.00008.
gnomAD v4.1: 20 of 1,613,860 alleles (0.0012%); highest among the groups gnomAD compares: African/African-American, 0.021%; no homozygotes.

Submission:

Labcorp Genetics (formerly Invitae), Labcorp
Classification: Uncertain significance for PGM1-congenital disorder of glycosylation. Last evaluated: 2023-11-14. Review status: criteria provided, single submitter. Criteria: Invitae Variant Classification Sherloc (09022015). Collection method: clinical testing. Allele origin: germline.
Comment: This sequence change replaces tyrosine, which is neutral and polar, with cysteine, which is neutral and slightly polar, at codon 353 of the PGM1 protein (p.Tyr353Cys). This variant is present in population databases (rs141538833, gnomAD 0.03%). This variant has not been reported in the literature in individuals affected with PGM1-related conditions. ClinVar contains an entry for this variant (Variation ID: 2182918). Advanced modeling of protein sequence and biophysical properties (such as structural, functional, and spatial information, amino acid conservation, physicochemical variation, residue mobility, and thermodynamic stability) has been performed at Invitae for this missense variant, however the output from this modeling did not meet the statistical confidence thresholds required to predict the impact of this variant on PGM1 protein function. In summary, the available evidence is currently insufficient to determine the role of this variant in disease. Therefore, it has been classified as a Variant of Uncertain Significance.